The following is an entry in ClinVar:

ClinVar aggregate classification (germline): Conflicting classifications of pathogenicity. Review status: criteria provided, conflicting classifications (1 of 4 stars). 2 submissions from 2 submitters: Uncertain significance (1); Likely benign (1). Last evaluated 2023-03-23.

Conditions:
Hereditary cancer-predisposing syndrome. Also called: Neoplastic Syndromes, Hereditary; Tumor predisposition; Hereditary Cancer Syndrome; Hereditary neoplastic syndrome. Identifiers: Orphanet 140162, MedGen C0027672, MeSH D009386, MONDO:0015356.

Submissions (2):

University of Washington Department of Laboratory Medicine, University of Washington
Classification: Likely benign for Hereditary cancer-predisposing syndrome. Last evaluated: 2023-03-23. Review status: criteria provided, single submitter. Criteria: Dines et al. (Genet Med. 2020). Collection method: curation. Allele origin: germline.
Comment: Missense variant in a coldspot region where missense variants are very unlikely to be pathogenic (PMID:31911673).

BRCA1 coldspot (exon 11 using historical exon numbering). Reclassification based on statistical prior probability

Ambry Genetics
Classification: Uncertain significance for Hereditary cancer-predisposing syndrome. Last evaluated: 2021-03-04. Review status: criteria provided, single submitter. Criteria: Ambry Variant Classification Scheme 2023. Collection method: clinical testing. Allele origin: germline.
Comment: The p.R296S variant (also known as c.888A>C), located in coding exon 9 of the BRCA1 gene, results from an A to C substitution at nucleotide position 888. The arginine at codon 296 is replaced by serine, an amino acid with dissimilar properties. This amino acid position is well conserved in available vertebrate species. In addition, the in silico prediction for this alteration is inconclusive. Since supporting evidence is limited at this time, the clinical significance of this alteration remains unclear.

NM_007294.4(BRCA1):c.888A>C (p.Arg296Ser)

Gene: BRCA1 (BRCA1 DNA repair associated; minus strand). Cytogenetic location: 17q21.31.
Variant type: single nucleotide variant.
Coding change: c.888A>C on transcript NM_007294.4 (MANE Select); coding-DNA position 888, A replaced by C.
Protein change: p.Arg296Ser; replaces arginine 296 with serine.
Molecular consequence: missense variant. On other transcripts: 5 prime UTR variant (2), intron variant (137).
Genome position (GRCh38, 1-based): chr17:43,094,643, T>G on the plus strand (A>C on the coding strand, the complement: BRCA1 is on the minus strand). VCF-style: chr17-43094643-T-G. GRCh37 (hg19) VCF-style: chr17-41246660-T-G.
Other names: c.888A>C, p.Arg296Ser (NM_001407858.1, NM_001407859.1, NM_001407854.1 and 30 more transcripts); c.765A>C, p.Arg255Ser (NM_001407863.1, NM_001407919.1, NM_001407937.1 and 19 more transcripts); c.885A>C, p.Arg295Ser (NM_001407860.1, NM_001407861.1, NM_001407587.1 and 22 more transcripts); c.687A>C, p.Arg229Ser (NM_001407862.1); c.744A>C, p.Arg248Ser (NM_001407749.1, NM_001407838.1, NM_001407839.1 and 20 more transcripts); c.747A>C, p.Arg249Ser (NM_001407750.1, NM_001407751.1, NM_001407752.1 and 29 more transcripts); c.675A>C, p.Arg225Ser (NM_001407853.1, NM_001407894.1, NM_001407895.1 and 9 more transcripts); c.684A>C, p.Arg228Ser (NM_001407874.1, NM_001407875.1); and 40 more; short protein forms R249S, R254S, R270S, R128S, R168S, R185S, R269S, R295S.
Identifiers: ClinVar variation 1764975 (VCV001764975.4), dbSNP rs1555592914, ClinGen allele CA10600299.
Genomic context (GRCh38, chr17:43,094,643, plus strand): 5'-GCTCCTTGCTAAGCCAGGCTGTTTGCTTTTATTACAGAATTCAGCCTTTTCTACATTCAT[T>G]CTGTCTTTAGTGAGTAATAAACTGCTGTTCTCATGCTGTAATGAGCTGGCATGAGTATTT-3'
Protein context (NP_009225.1, residues 286-306): ENSSLLLTKD[Arg296Ser]MNVEKAEFCN